The following is an entry in ClinVar:

NM_000051.4(ATM):c.2635A>G (p.Ile879Val)

Gene: ATM (ATM serine/threonine kinase; plus strand). Cytogenetic location: 11q22.3.
Variant type: single nucleotide variant.
Coding change: c.2635A>G on transcript NM_000051.4 (MANE Select); coding-DNA position 2635, A replaced by G.
Protein change: p.Ile879Val; replaces isoleucine 879 with valine.
Molecular consequence: missense variant.
Genome position (GRCh38, 1-based): chr11:108,267,339, A>G. VCF-style: chr11-108267339-A-G. GRCh37 (hg19) VCF-style: chr11-108138066-A-G.
Other names: p.I879V:ATA>GTA; c.2635A>G, p.Ile879Val (NM_001351834.2); short protein forms I879V.
Identifiers: ClinVar variation 181990 (VCV000181990.22), dbSNP rs556598169, ClinGen allele CA298339.

ClinVar aggregate classification (germline): Conflicting classifications of pathogenicity. Review status: criteria provided, conflicting classifications (1 of 4 stars). 8 submissions from 8 submitters: Uncertain significance (6); Likely benign (1). 1 of the submissions does not count toward it. Last evaluated 2026-03-02.

Conditions:
Hereditary cancer-predisposing syndrome. Also called: Tumor predisposition; Neoplastic Syndromes, Hereditary; Hereditary Cancer Syndrome; Hereditary neoplastic syndrome. Identifiers: Orphanet 140162, MedGen C0027672, MeSH D009386, MONDO:0015356.
Ataxia-telangiectasia syndrome (AT). Also called: Ataxia-telangiectasia, complementation group D; AT, COMPLEMENTATION GROUP C; Ataxia-telangiectasia, complementation group E; Cerebello-oculocutaneous telangiectasia; Immunodeficiency with ataxia telangiectasia; Ataxia telangiectasia (A-T). Identifiers: Orphanet 100, MedGen C0004135, MONDO:0008840, OMIM 208900.
Familial cancer of breast. Also called: Hereditary breast cancer; BREAST CANCER, FAMILIAL; hereditary breast carcinoma. Identifiers: Orphanet 227535, MedGen C0346153, MONDO:0016419, OMIM 114480. Disease mechanism: loss of function.

Allele frequency attached by ClinVar (database versions not stated): gnomAD exomes below 0.00001 and 0.00001; ExAC 0.00001; gnomAD 0.00001; TOPMed 0.00001; 1000 Genomes Project 30x 0.00016; 1000 Genomes Project 0.00020.
gnomAD v4.1: 5 of 1,613,810 alleles (0.00031%); highest among the groups gnomAD compares: East Asian, 0.0067%; no homozygotes.

Submissions (8):

Women's Health and Genetics/Laboratory Corporation of America, LabCorp
Classification: Uncertain significance. Last evaluated: 2026-03-02. Review status: criteria provided, single submitter. Criteria: LabCorp Variant Classification Summary - May 2015. Collection method: clinical testing. Allele origin: germline.
Comment: Variant summary: ATM c.2635A>G (p.Ile879Val) results in a conservative amino acid change in the encoded protein sequence. Algorithms developed to predict the effect of missense changes on protein structure and function all suggest that this variant is likely to be tolerated. The variant allele was found at a frequency of 1.2e-05 in 251378 control chromosomes. The available data on variant occurrences in the general population are insufficient to allow any conclusion about variant significance. c.2635A>G has been reported in individuals affected with non-Hodgkin lymphoma, breast cancer, and pancreatic cancer without strong evidence of causality (Sipahimalani_2007, Kwong_2020, Yin_2022). These reports do not provide unequivocal conclusions about association of the variant with Ataxia-Telangiectasia. To our knowledge, no experimental evidence demonstrating an impact on protein function has been reported. The following publications have been ascertained in the context of this evaluation (PMID: 17640065, 32068069, 35171259). ClinVar contains an entry for this variant (Variation ID: 181990). Based on the evidence outlined above, the variant was classified as uncertain significance.

Labcorp Genetics (formerly Invitae), Labcorp
Classification: Uncertain significance for Ataxia-telangiectasia syndrome. Last evaluated: 2026-01-01. Review status: criteria provided, single submitter. Criteria: Invitae Variant Classification Sherloc (09022015). Collection method: clinical testing. Allele origin: germline.
Comment: This sequence change replaces isoleucine, which is neutral and non-polar, with valine, which is neutral and non-polar, at codon 879 of the ATM protein (p.Ile879Val). This variant is present in population databases (rs556598169, gnomAD 0.006%). This missense change has been observed in individual(s) with ATM-related conditions (PMID: 17640065, 32068069, 35171259). ClinVar contains an entry for this variant (Variation ID: 181990). Invitae Evidence Modeling of protein sequence and biophysical properties (such as structural, functional, and spatial information, amino acid conservation, physicochemical variation, residue mobility, and thermodynamic stability) indicates that this missense variant is not expected to disrupt ATM protein function with a negative predictive value of 95%. RNA analysis performed to evaluate the impact of this missense change on mRNA splicing indicates it does not significantly alter splicing (internal data). In summary, the available evidence is currently insufficient to determine the role of this variant in disease. Therefore, it has been classified as a Variant of Uncertain Significance.

Color Diagnostics, LLC DBA Color Health
Classification: Uncertain significance for Hereditary cancer-predisposing syndrome. Last evaluated: 2025-03-24. Review status: criteria provided, single submitter. Criteria: ACMG Guidelines, 2015. Collection method: clinical testing. Allele origin: germline.
Comment: This missense variant replaces isoleucine with valine at codon 879 of the ATM protein. Computational prediction suggests that this variant may not impact protein structure and function. In a large international case-control study, this variant was reported in 7/60466 breast cancer cases and 4/53461 controls (PMID: 33471991). This variant was also reported in an individual affected with pancreatic ductal adenocarcinoma (PMID: 35171259). This variant has been identified in 3/251378 chromosomes in the general population by the Genome Aggregation Database (gnomAD). The available evidence is insufficient to determine the role of this variant in disease conclusively. Therefore, this variant is classified as a Variant of Uncertain Significance.

Ambry Genetics
Classification: Likely benign for Hereditary cancer-predisposing syndrome. Last evaluated: 2025-02-25. Review status: criteria provided, single submitter. Criteria: Ambry Variant Classification Scheme 2023. Collection method: clinical testing. Allele origin: germline.

Fulgent Genetics
Classification: Uncertain significance for Familial cancer of breast; Ataxia-telangiectasia syndrome. Last evaluated: 2024-06-05. Review status: criteria provided, single submitter. Criteria: ACMG Guidelines, 2015. Collection method: clinical testing. Allele origin: germline.

Department of Pathology and Laboratory Medicine, Sinai Health System
Classification: Uncertain significance for Familial cancer of breast. Last evaluated: 2024-03-18. Review status: criteria provided, single submitter. Criteria: ACMG Guidelines, 2015. Collection method: clinical testing. Allele origin: germline. Affected: yes.

GeneDx
Classification: Uncertain significance. Last evaluated: 2023-12-20. Review status: criteria provided, single submitter. Criteria: GeneDx Variant Classification Process June 2021. Collection method: clinical testing. Allele origin: germline. Affected: yes.
Comment: Not observed at significant frequency in large population cohorts (gnomAD); In silico analysis supports that this missense variant does not alter protein structure/function; In silico analysis suggests this variant may impact gene splicing. In the absence of RNA/functional studies, the actual effect of this sequence change is unknown.; A large meta-analysis found this variant to be absent in breast cancer patients (0/2,531) but present in three control subjects (3/2,245) (PMID: 19781682); Observed in individuals with non-Hodgkin lymphoma, pancreatic cancer, or clinically high-risk breast and/or ovarian cancer (PMID: 17640065, 32068069, 35171259); This variant is associated with the following publications: (PMID: 35171259, 32068069, 19781682, 17640065)

Natera, Inc.
Classification: Uncertain significance for Ataxia-telangiectasia. Last evaluated: 2020-09-16. Review status: no assertion criteria provided. Collection method: clinical testing. Allele origin: germline. Not counted in ClinVar's aggregate classification.

Literature cited by the submitters: PubMed 17640065 (cited by 3 submitters); PubMed 32068069 (cited by 3 submitters); PubMed 35171259 (cited by 3 submitters); PubMed 33471991 (cited by Color Diagnostics, LLC DBA Color Health and Department of Pathology and Laboratory Medicine, Sinai Health System); PubMed 19781682 (cited by Ambry Genetics); PubMed 17670065 (cited by Department of Pathology and Laboratory Medicine, Sinai Health System); PubMed 35171529 (cited by Department of Pathology and Laboratory Medicine, Sinai Health System).